The following is an entry in ClinVar:

ClinVar aggregate classification (germline): Uncertain significance. Review status: criteria provided, multiple submitters, no conflicts (2 of 4 stars). 2 submissions from 2 submitters: Uncertain significance (2). Last evaluated 2025-07-07.

Allele frequency attached by ClinVar (database versions not stated): gnomAD 0.00010; TOPMed 0.00012; ESP Exome Variant Server 0.00015.
gnomAD v4.1: 388 of 1,611,568 alleles (0.024%); highest among the groups gnomAD compares: Non-Finnish European, 0.03%; no homozygotes.

Submissions (2):

Ambry Genetics
Classification: Uncertain significance. Last evaluated: 2025-07-07. Review status: criteria provided, single submitter. Criteria: Ambry Variant Classification Scheme 2023. Collection method: clinical testing. Allele origin: germline.

Labcorp Genetics (formerly Invitae), Labcorp
Classification: Uncertain significance. Last evaluated: 2025-01-23. Review status: criteria provided, single submitter. Criteria: Invitae Variant Classification Sherloc (09022015). Collection method: clinical testing. Allele origin: germline.
Comment: This sequence change replaces glutamic acid, which is acidic and polar, with aspartic acid, which is acidic and polar, at codon 768 of the KLB protein (p.Glu768Asp). This variant is present in population databases (rs375388174, gnomAD 0.02%). This variant has not been reported in the literature in individuals affected with KLB-related conditions. ClinVar contains an entry for this variant (Variation ID: 2570440). An algorithm developed to predict the effect of missense changes on protein structure and function (PolyPhen-2) suggests that this variant is likely to be disruptive. In summary, the available evidence is currently insufficient to determine the role of this variant in disease. Therefore, it has been classified as a Variant of Uncertain Significance.

NM_175737.4(KLB):c.2304G>C (p.Glu768Asp)

Gene: KLB (klotho beta; plus strand). Cytogenetic location: 4p14.
Variant type: single nucleotide variant.
Coding change: c.2304G>C on transcript NM_175737.4 (MANE Select); coding-DNA position 2304, G replaced by C.
Protein change: p.Glu768Asp; replaces glutamic acid 768 with aspartic acid.
Molecular consequence: missense variant.
Genome position (GRCh38, 1-based): chr4:39,447,030, G>C. VCF-style: chr4-39447030-G-C. GRCh37 (hg19) VCF-style: chr4-39448650-G-C.
Other names: short protein forms E768D.
Identifiers: ClinVar variation 2570440 (VCV002570440.5), dbSNP rs375388174, ClinGen allele CA2893980.